The following is an entry in ClinVar:

NM_006767.4(LZTR1):c.2190C>T (p.Gly730=)

Gene: LZTR1 (leucine zipper like post translational regulator 1; plus strand). Cytogenetic location: 22q11.21.
Variant type: single nucleotide variant.
Coding change: c.2190C>T on transcript NM_006767.4 (MANE Select); coding-DNA position 2190, C replaced by T.
Protein change: p.Gly730=; no amino-acid change (glycine 730 retained).
Molecular consequence: synonymous variant.
Genome position (GRCh38, 1-based): chr22:20,996,083, C>T. VCF-style: chr22-20996083-C-T. GRCh37 (hg19) VCF-style: chr22-21350372-C-T.
Other names: p.Gly730=.
Identifiers: ClinVar variation 706636 (VCV000706636.27), dbSNP rs144092577, ClinGen allele CA10119270.

ClinVar aggregate classification (germline): Conflicting classifications of pathogenicity. Review status: criteria provided, conflicting classifications (1 of 4 stars). 10 submissions from 10 submitters: Uncertain significance (6); Likely benign (3). 1 of the submissions does not count toward it. Last evaluated 2026-02-20.

Conditions:
Noonan syndrome 10 (NS10). Identifiers: Orphanet 648, MedGen C4225280, MONDO:0014693, OMIM 616564.
Hereditary cancer-predisposing syndrome. Also called: Tumor predisposition; Neoplastic Syndromes, Hereditary; Hereditary neoplastic syndrome; Hereditary Cancer Syndrome. Identifiers: Orphanet 140162, MedGen C0027672, MeSH D009386, MONDO:0015356.
Cardiovascular phenotype. Identifiers: MedGen CN230736.
LZTR1-related disorder. Also called: LZTR1-related disorders; LZTR1-related condition.

Allele frequency attached by ClinVar (database versions not stated): gnomAD exomes 0.00024; TOPMed 0.00027; gnomAD 0.00032 and 0.00034; ExAC 0.00033; ESP Exome Variant Server 0.00046.
gnomAD v4.1: 459 of 1,612,978 alleles (0.028%); highest among the groups gnomAD compares: Non-Finnish European, 0.033%; no homozygotes.

Submissions (10):

St. Jude Molecular Pathology, St. Jude Children's Research Hospital
Classification: Uncertain significance for Noonan syndrome 10. Last evaluated: 2026-02-20. Review status: criteria provided, single submitter. Criteria: St. Jude Assertion Criteria 2020. Collection method: clinical testing. Allele origin: germline.
Comment: The LZTR1 c.2190C>T p.(Gly730=) synonymous change has a maximum subpopulation frequency of 0.032% in gnomAD v2.1.1. Algorithms that predict the impact of sequence changes on splicing indicate that this ch ange may impact splicing, but to our knowledge these predictions have not been confirmed by RNA studies. To our knowledge, this variant has not been reported in the literature in individuals with LZTR1-related disease. In summary, the evidence currently available is insufficient to determine the clinical significance of this variant. It has therefore been classified as of uncertain significance.

Labcorp Genetics (formerly Invitae), Labcorp
Classification: Likely benign. Last evaluated: 2026-02-02. Review status: criteria provided, single submitter. Criteria: Invitae Variant Classification Sherloc (09022015). Collection method: clinical testing. Allele origin: germline.

Ambry Genetics
Classification: Likely benign for Cardiovascular phenotype; Hereditary cancer-predisposing syndrome. Last evaluated: 2025-09-03. Review status: criteria provided, single submitter. Criteria: Ambry Variant Classification Scheme 2023. Collection method: clinical testing. Allele origin: germline.

Women's Health and Genetics/Laboratory Corporation of America, LabCorp
Classification: Uncertain significance. Last evaluated: 2025-08-06. Review status: criteria provided, single submitter. Criteria: LabCorp Variant Classification Summary - May 2015. Collection method: clinical testing. Allele origin: germline.
Comment: Variant summary: LZTR1 c.2190C>T alters a conserved nucleotide resulting in a synonymous change. Several computational tools predict a significant impact on normal splicing: Four predict the variant creates a cryptic 5' donor site. However, these predictions have yet to be confirmed by functional studies. The variant allele was found at a frequency of 0.00024 in 250542 control chromosomes. This frequency is not significantly higher than estimated for a pathogenic variant in LZTR1 causing Noonan Syndrome 2 (0.00024 vs 0.0032), allowing no conclusion about variant significance. To our knowledge, no occurrence of c.2190C>T in individuals affected with Noonan Syndrome 2 and no experimental evidence demonstrating its impact on protein function have been reported. ClinVar contains an entry for this variant (Variation ID: 706636). Based on the evidence outlined above, the variant was classified as uncertain significance.

Blueprint Genetics
Classification: Likely benign. Last evaluated: 2024-11-28. Review status: criteria provided, single submitter. Criteria: ACMG Guidelines, 2015. Collection method: clinical testing. Allele origin: germline.

ARUP Laboratories, Molecular Genetics and Genomics, ARUP Laboratories
Classification: Uncertain significance. Last evaluated: 2024-08-20. Review status: criteria provided, single submitter. Criteria: ARUP Molecular Germline Variant Investigation Process 2024. Collection method: clinical testing. Allele origin: germline.
Comment: The LZTR1 c.2190C>T; p.Gly730= variant (rs144092577), to our knowledge, is not reported in the medical literature but is reported in ClinVar (Variation ID: 706636). This variant is observed in the general population with an overall allele frequency of 0.02% (69/281906 alleles) in the Genome Aggregation Database (v2.1.1). This is a synonymous variant and computational analyses (Alamut Visual Plus v.1.5.1, SpliceAI) predict that this variant may impact splicing by creating a novel cryptic donor splice site. Due to limited information, the clinical significance of this variant is uncertain at this time.

Mayo Clinic Laboratories, Mayo Clinic
Classification: Uncertain significance. Last evaluated: 2024-01-24. Review status: criteria provided, single submitter. Criteria: ACMG Guidelines, 2015. Collection method: clinical testing. Allele origin: germline. Observed: 7 variant alleles.
Comment: PP3

GeneDx
Classification: Uncertain significance. Last evaluated: 2024-01-04. Review status: criteria provided, single submitter. Criteria: GeneDx Variant Classification Process June 2021. Collection method: clinical testing. Allele origin: germline. Affected: yes.
Comment: In silico analysis supports a deleterious effect on splicing; Has not been previously published as pathogenic or benign to our knowledge

Institute for Clinical Genetics, University Hospital TU Dresden, University Hospital TU Dresden
Classification: Uncertain significance. Last evaluated: 2021-11-03. Review status: criteria provided, single submitter. Criteria: ACMG Guidelines, 2015. Collection method: clinical testing. Allele origin: germline.

PreventionGenetics, part of Exact Sciences
Classification: Uncertain significance for LZTR1-related condition. Last evaluated: 2024-04-18. Review status: no assertion criteria provided. Collection method: clinical testing. Allele origin: germline. Not counted in ClinVar's aggregate classification.
Comment: The LZTR1 c.2190C>T variant is not predicted to result in an amino acid change (p.=). This variant is predicted to create a cryptic donor splice site based on available splicing prediction programs (SpliceAI, Jaganathan et al. 2019. PubMed ID: 30661751). However, the use of computer prediction programs is not equivalent to functional evidence. To our knowledge, this variant has not been reported in the literature. This variant is reported in 0.032% of alleles in individuals of European (Non-Finnish) descent in gnomAD, which is likely too common for autosomal dominant Noonan syndrome (Gelb et al. 2018. PubMed ID 29493581). In ClinVar, it has conflicting interpretations of benign, likely benign, and uncertain significance. Although we suspect that this variant may be benign, at this time, the clinical significance of this variant is uncertain due to the absence of conclusive functional and genetic evidence.